The following is an entry in ClinVar:

ClinVar aggregate classification (germline): Uncertain significance (1 of 4 stars; one submission).

Conditions:
Wieacker-Wolff syndrome (spectrum). Identifiers: MedGen CN294724, MONDO:0025445.

Submission:

Broad Center for Mendelian Genomics, Broad Institute of MIT and Harvard
Classification: Uncertain significance for Wieacker-Wolff syndrome (spectrum). Last evaluated: 2023-01-25. Review status: criteria provided, single submitter. Criteria: ACMG Guidelines, 2015. Collection method: curation. Allele origin: germline. Inheritance: X-linked inheritance.
Comment: The p.Met1Ile variant in ZC4H2 has been previously reported in one individual with Wieacker-Wolff syndrome (PMID: 26633542). One additional likely pathogenic variant, resulting in a different amino acid change at the same position, c.2T>C (p.Met1Thr), has been reported in association with disease in ClinVar, slightly supporting that a change at this position may not be tolerated (Variation ID: 1698141). This variant was absent from large population studies. This variant is located in the first amino acid and obliterates the methionine initiation codon. The next in-frame methionine is at amino acid residue 8 and there are no reported pathogenic or likely pathogenic variants in ClinVar upstream of this downstream methionine. Heterozygous loss of function of the ZC4H2 gene is an established disease mechanism in X-linked Wieacker-Wolff syndrome. In summary, while there is some suspicion for a pathogenic role, the clinical significance of this variant is uncertain. ACMG/AMP Criteria applied: PVS1_Supporting, PS4_Supporting, PM2_Supporting, PM5_Supporting, PM6_Supporting (Richards 2015).

NM_018684.4(ZC4H2):c.3G>A (p.Met1Ile)

Gene: ZC4H2 (zinc finger C4H2-type containing; minus strand). Cytogenetic location: Xq11.2.
Variant type: single nucleotide variant.
Coding change: c.3G>A on transcript NM_018684.4 (MANE Select); coding-DNA position 3, G replaced by A.
Protein change: p.Met1Ile; changes the start codon (methionine 1).
Molecular consequence: missense variant, initiator codon variant. On other transcripts: non-coding transcript variant (1), intron variant (2).
Genome position (GRCh38, 1-based): chrX:64,976,375, C>T on the plus strand (G>A on the coding strand, the complement: ZC4H2 is on the minus strand). VCF-style: chrX-64976375-C-T. GRCh37 (hg19) VCF-style: chrX-64196255-C-T.
Other names: NM_001178033.3:c.3G>A; c.3G>A, p.Met1Ile (NM_001178033.3); c.-16-54387G>A (NM_001243804.2); c.-271-54132G>A (NM_001178032.3); short protein forms M1I.
Identifiers: ClinVar variation 2412774 (VCV002412774.2), dbSNP rs2519756297, ClinGen allele CA413410914.
Genomic context (GRCh38, chrX:64,976,375, plus strand): 5'-TGCCACTTACCTGATCTCTTTAATGCTTTCCAATTTGCACATGATTTCTTGCTCATCTGC[C>T]ATACTTTTCACTGTCAATTTCACGTCCCGAGAGATGTACAAATACACCAGCCAAGGGATA-3'
Protein context (NP_061154.1, residues 1-11): [Met1Ile]ADEQEIMCKL